The following is an entry in ClinVar:

NM_032776.3(JMJD1C):c.2347A>C (p.Thr783Pro)

Gene: JMJD1C (jumonji domain containing 1C; minus strand). Cytogenetic location: 10q21.3.
Variant type: single nucleotide variant.
Coding change: c.2347A>C on transcript NM_032776.3 (MANE Select); coding-DNA position 2347, A replaced by C.
Protein change: p.Thr783Pro; replaces threonine 783 with proline.
Molecular consequence: missense variant. On other transcripts: non-coding transcript variant (1).
Genome position (GRCh38, 1-based): chr10:63,213,820, T>G on the plus strand (A>C on the coding strand, the complement: JMJD1C is on the minus strand). VCF-style: chr10-63213820-T-G. GRCh37 (hg19) VCF-style: chr10-64973580-T-G.
Other names: c.1801A>C, p.Thr601Pro (NM_001282948.2, NM_001318154.2); c.1483A>C, p.Thr495Pro (NM_001318153.2); c.2233A>C, p.Thr745Pro (NM_001322252.2); c.1690A>C, p.Thr564Pro (NM_001322254.2, NM_001322258.2); short protein forms T783P, T745P, T495P, T564P, T601P.
Identifiers: ClinVar variation 529708 (VCV000529708.10), dbSNP rs776725326, ClinGen allele CA208375395.

ClinVar aggregate classification (germline): Uncertain significance (1 of 4 stars; one submission).

Conditions:
Early Myoclonic Encephalopathy. Identifiers: MedGen C0270855.

Allele frequency attached by ClinVar (database versions not stated): gnomAD exomes 0.00005 and 0.00001; gnomAD 0.00004 and 0.00003; TOPMed 0.00003.
gnomAD v4.1: 77 of 1,613,864 alleles (0.0048%); highest among the groups gnomAD compares: Non-Finnish European, 0.0064%; 1 homozygote.

Submission:

Labcorp Genetics (formerly Invitae), Labcorp
Classification: Uncertain significance for Early Myoclonic Encephalopathy. Last evaluated: 2019-10-30. Review status: criteria provided, single submitter. Criteria: Invitae Variant Classification Sherloc (09022015). Collection method: clinical testing. Allele origin: germline.
Comment: In summary, the available evidence is currently insufficient to determine the role of this variant in disease. Therefore, it has been classified as a Variant of Uncertain Significance. Algorithms developed to predict the effect of missense changes on protein structure and function (SIFT, PolyPhen-2, Align-GVGD) all suggest that this variant is likely to be tolerated, but these predictions have not been confirmed by published functional studies and their clinical significance is uncertain. This variant has not been reported in the literature in individuals with JMJD1C-related disease. This variant is not present in population databases (ExAC no frequency). This sequence change replaces threonine with proline at codon 783 of the JMJD1C protein (p.Thr783Pro). The threonine residue is moderately conserved and there is a small physicochemical difference between threonine and proline.